The following is an entry in ClinVar:

ClinVar aggregate classification (germline): Uncertain significance. Review status: criteria provided, multiple submitters, no conflicts (2 of 4 stars). 4 submissions from 4 submitters: Uncertain significance (4). Last evaluated 2025-12-11.

Conditions:
Primary ciliary dyskinesia 9. Also called: CILIARY DYSKINESIA, PRIMARY, 9, WITH OR WITHOUT SITUS INVERSUS. Identifiers: Orphanet 244, MedGen C2676235, MONDO:0012906, OMIM 612444.
Primary ciliary dyskinesia. Also called: Ciliary dyskinesia. Identifiers: Orphanet 244, MedGen C0008780, MONDO:0016575, HP:0012265.

Allele frequency attached by ClinVar (database versions not stated): TOPMed below 0.00001; gnomAD exomes 0.00001 and 0.00002; ExAC 0.00002; gnomAD 0.00002 and 0.00003.
gnomAD v4.1: 24 of 1,614,006 alleles (0.0015%); highest among the groups gnomAD compares: Admixed American, 0.005%; no homozygotes.

Submissions (4):

Labcorp Genetics (formerly Invitae), Labcorp
Classification: Uncertain significance for Primary ciliary dyskinesia. Last evaluated: 2025-12-11. Review status: criteria provided, single submitter. Criteria: Invitae Variant Classification Sherloc (09022015). Collection method: clinical testing. Allele origin: germline.
Comment: This sequence change replaces arginine, which is basic and polar, with glutamine, which is neutral and polar, at codon 189 of the DNAI2 protein (p.Arg189Gln). This variant is present in population databases (rs552610697, gnomAD 0.004%). This variant has not been reported in the literature in individuals affected with DNAI2-related conditions. ClinVar contains an entry for this variant (Variation ID: 889226). Invitae Evidence Modeling of protein sequence and biophysical properties (such as structural, functional, and spatial information, amino acid conservation, physicochemical variation, residue mobility, and thermodynamic stability) indicates that this missense variant is not expected to disrupt DNAI2 protein function with a negative predictive value of 95%. In summary, the available evidence is currently insufficient to determine the role of this variant in disease. Therefore, it has been classified as a Variant of Uncertain Significance.

Ambry Genetics
Classification: Uncertain significance for Primary ciliary dyskinesia. Last evaluated: 2024-09-02. Review status: criteria provided, single submitter. Criteria: Ambry Variant Classification Scheme 2023. Collection method: clinical testing. Allele origin: germline.
Comment: The p.R189Q variant (also known as c.566G>A), located in coding exon 4 of the DNAI2 gene, results from a G to A substitution at nucleotide position 566. The arginine at codon 189 is replaced by glutamine, an amino acid with highly similar properties. This amino acid position is conserved. In addition, this alteration is predicted to be tolerated by in silico analysis. Since supporting evidence is limited at this time, the clinical significance of this alteration remains unclear.

GeneDx
Classification: Uncertain significance. Last evaluated: 2022-04-19. Review status: criteria provided, single submitter. Criteria: GeneDx Variant Classification Process June 2021. Collection method: clinical testing. Allele origin: germline. Affected: yes.
Comment: In silico analysis supports that this missense variant does not alter protein structure/function; Has not been previously published as pathogenic or benign to our knowledge

Illumina Laboratory Services, Illumina
Classification: Uncertain significance for Primary ciliary dyskinesia 9. Last evaluated: 2017-04-27. Review status: criteria provided, single submitter. Criteria: ICSL Variant Classification Criteria 13 December 2019. Collection method: clinical testing. Allele origin: germline.

NM_023036.6(DNAI2):c.566G>A (p.Arg189Gln)

Gene: DNAI2 (dynein axonemal intermediate chain 2; plus strand). Cytogenetic location: 17q25.1.
Variant type: single nucleotide variant.
Coding change: c.566G>A on transcript NM_023036.6 (MANE Select); coding-DNA position 566, G replaced by A.
Protein change: p.Arg189Gln; replaces arginine 189 with glutamine.
Molecular consequence: missense variant. On other transcripts: non-coding transcript variant (1).
Genome position (GRCh38, 1-based): chr17:74,289,692, G>A. VCF-style: chr17-74289692-G-A. GRCh37 (hg19) VCF-style: chr17-72285831-G-A.
Other names: c.566G>A, p.Arg189Gln (NM_001172810.3, NM_001353167.2); short protein forms R189Q.
Identifiers: ClinVar variation 889226 (VCV000889226.11), dbSNP rs552610697, ClinGen allele CA8745396.
Genomic context (GRCh38, chr17:74,289,692, plus strand): 5'-CCTGGCACCCCGATGGCAACAGGAAGTTGGCAGTGGCATACTCCTGCTTGGATTTTCAGC[G>A]GGCACCTGTGGGCATGAGCAGCGATTCATACATCTGGGACCTGGGTGAGAAGCAGCGGGG-3'
Protein context (NP_075462.3, residues 179-199): AVAYSCLDFQ[Arg189Gln]APVGMSSDSY